The following is an entry in ClinVar:

NM_015570.4(AUTS2):c.1530_1532dup (p.Gly511_Ala512insGly)

Gene: AUTS2 (activator of transcription and developmental regulator AUTS2; plus strand). Cytogenetic location: 7q11.22.
Variant type: Duplication.
Coding change: c.1530_1532dup on transcript NM_015570.4 (MANE Select); coding-DNA positions 1530 to 1532, 3 bases duplicated (CGG; older notation c.1530_1532dupCGG).
Protein change: p.Gly511_Ala512insGly.
Molecular consequence: inframe insertion.
Genome position (GRCh38, 1-based): chr7:70,766,175-70,766,177, CGG duplicated; duplicating any 3 consecutive bases within chr7:70,766,174-70,766,177 gives the same sequence; the c. name uses the placement nearest the transcript's 3' end. VCF-style (leftmost placement, unchanged base first): chr7-70766173-C-CGCG. GRCh37 (hg19) VCF-style: chr7-70231159-C-CGCG.
Other names: c.1530_1532dup, p.Gly511_Ala512insGly (NM_001127231.3).
Identifiers: ClinVar variation 3370110 (VCV003370110.1).
Genomic context (GRCh38, chr7:70,766,173, plus strand): 5'-GAGCAAGACATCTTGCGACAGGAACTGAACACTCGTTTTTTGGCCTCTCAGAGTGCTGAC[C>CGCG]GCGGGGCTTCCCTGGGCCCTCCGCCCTACCTGCGGACCGAGTTCCATCAGCACCAGCACC-3'

ClinVar aggregate classification (germline): Uncertain significance (1 of 4 stars; one submission).

Submission:

GeneDx
Classification: Uncertain significance. Last evaluated: 2023-12-26. Review status: criteria provided, single submitter. Criteria: GeneDx Variant Classification Process June 2021. Collection method: clinical testing. Allele origin: germline. Affected: yes.
Comment: Not observed at significant frequency in large population cohorts (gnomAD); In-frame insertion of 1 amino acid in a non-repeat region; In silico analysis supports a deleterious effect on protein structure/function; Has not been previously published as pathogenic or benign to our knowledge